The following is an entry in ClinVar:

NM_000179.3(MSH6):c.3802-11_3802-7dup

Gene: MSH6 (mutS homolog 6; plus strand). Cytogenetic location: 2p16.3.
Variant type: Duplication.
Coding change: c.3802-11_3802-7dup on transcript NM_000179.3 (MANE Select); 11 bases into the intron before coding-DNA position 3802 through 7 bases into the intron before coding-DNA position 3802, 5 bases duplicated (TCTTT; older notation c.3802-11_3802-7dupTCTTT).
Molecular consequence: intron variant.
Genome position (GRCh38, 1-based): chr2:47,806,441-47,806,445, TCTTT duplicated; duplicating any 5 consecutive bases within chr2:47,806,438-47,806,445 gives the same sequence; the c. name uses the placement nearest the transcript's 3' end. VCF-style (leftmost placement, unchanged base first): chr2-47806437-T-TTTTTC. GRCh37 (hg19) VCF-style: chr2-48033576-T-TTTTTC.
Other names: c.3802-11_3802-7dup (NM_001406809.1, NM_001406796.1, NM_001406808.1); c.2896-11_2896-7dup (NM_001406811.1, NM_001406814.1, NM_001281493.2 and 6 more transcripts); c.3505-11_3505-7dup (NM_001406805.1, NM_001406797.1, NM_001406801.1 and 10 more transcripts); c.3898-11_3898-7dup (NM_001406795.1); c.3897+83_3897+87dup (NM_001406802.1); c.3808-11_3808-7dup (NM_001406813.1); c.3277-11_3277-7dup (NM_001406807.1, NM_001406799.1, NM_001406806.1); c.3802-24_3802-20dup (NM_001406800.1); and 9 more.
Identifiers: ClinVar variation 3904557 (VCV003904557.1).

ClinVar aggregate classification (germline): Likely benign (1 of 4 stars; one submission).

Conditions:
Lynch syndrome 5 (LYNCH5). Also called: Colorectal cancer, hereditary nonpolyposis, type 5; Hereditary non-polyposis colorectal cancer, type 5. Identifiers: Orphanet 144, MedGen C1833477, MONDO:0013710, OMIM 614350. Disease mechanism: loss of function.

Submission:

Myriad Genetics, Inc.
Classification: Likely benign for Lynch syndrome 5. Last evaluated: 2025-01-08. Review status: criteria provided, single submitter. Criteria: Myriad Autosomal Dominant, Autosomal Recessive and X-Linked Classification Criteria (2023). Collection method: clinical testing. Allele origin: unknown.
Comment: This variant is considered likely benign. This variant is intronic and is not expected to impact mRNA splicing.